The following is an entry in ClinVar:

ClinVar aggregate classification (germline): Benign (1 of 4 stars; one submission).

Conditions:
Pheochromocytoma/paraganglioma syndrome 2. Also called: SDHAF2-Related Hereditary Paraganglioma-Pheochromocytoma Syndrome; GLOMUS TUMORS, FAMILIAL, 2; Paragangliomas 2; SDHAF2-Related Hereditary Paraganglioma-Pheochromocytoma Syndrome (Paragangliomas 2). Identifiers: Orphanet 29072, MedGen C1866552, MONDO:0011121, OMIM 601650.

Submission:

Myriad Genetics, Inc.
Classification: Benign for Pheochromocytoma/paraganglioma syndrome 2. Last evaluated: 2026-08-05. Review status: criteria provided, single submitter. Criteria: Myriad Autosomal Dominant, Autosomal Recessive and X-Linked Classification Criteria (2023). Collection method: clinical testing. Allele origin: unknown.
Comment: This variant is considered benign. This variant occurs in the non-coding 3' untranslated region of the gene and is not expected to impact protein function.

NM_017841.4(SDHAF2):c.*10C>T

Gene: SDHAF2 (succinate dehydrogenase complex assembly factor 2; plus strand). Cytogenetic location: 11q12.2.
Variant type: single nucleotide variant.
Coding change: c.*10C>T on transcript NM_017841.4 (MANE Select); 10 bases downstream of the stop codon, C replaced by T.
Molecular consequence: 3 prime UTR variant.
Genome position (GRCh38, 1-based): chr11:61,446,081, C>T. VCF-style: chr11-61446081-C-T. GRCh37 (hg19) VCF-style: chr11-61213553-C-T.
Identifiers: ClinVar variation 5042179 (VCV005042179.1).